The following is an entry in ClinVar:

ClinVar aggregate classification (germline): Uncertain significance (1 of 4 stars; one submission).

Allele frequency attached by ClinVar (database versions not stated): gnomAD exomes below 0.00001.
gnomAD v4.1: 1 of 1,614,096 alleles (0.000062%); highest among the groups gnomAD compares: East Asian, 0.0022%; no homozygotes.

Submission:

Labcorp Genetics (formerly Invitae), Labcorp
Classification: Uncertain significance. Last evaluated: 2022-03-18. Review status: criteria provided, single submitter. Criteria: Invitae Variant Classification Sherloc (09022015). Collection method: clinical testing. Allele origin: germline.
Comment: Algorithms developed to predict the effect of missense changes on protein structure and function are either unavailable or do not agree on the potential impact of this missense change (SIFT: "Deleterious"; PolyPhen-2: "Probably Damaging"; Align-GVGD: "Class C15"). This variant has not been reported in the literature in individuals affected with LAMC3-related conditions. This variant is not present in population databases (gnomAD no frequency). This sequence change replaces aspartic acid, which is acidic and polar, with asparagine, which is neutral and polar, at codon 246 of the LAMC3 protein (p.Asp246Asn). In summary, the available evidence is currently insufficient to determine the role of this variant in disease. Therefore, it has been classified as a Variant of Uncertain Significance.

NM_006059.4(LAMC3):c.736G>A (p.Asp246Asn)

Gene: LAMC3 (laminin subunit gamma 3; plus strand). Cytogenetic location: 9q34.12.
Variant type: single nucleotide variant.
Coding change: c.736G>A on transcript NM_006059.4 (MANE Select); coding-DNA position 736, G replaced by A.
Protein change: p.Asp246Asn; replaces aspartic acid 246 with asparagine.
Molecular consequence: missense variant.
Genome position (GRCh38, 1-based): chr9:131,032,102, G>A. VCF-style: chr9-131032102-G-A. GRCh37 (hg19) VCF-style: chr9-133907489-G-A.
Other names: short protein forms D246N.
Identifiers: ClinVar variation 1514657 (VCV001514657.6), dbSNP rs1833834813, ClinGen allele CA375254320.